The following is an entry in ClinVar:

NM_004336.5(BUB1):c.1004T>C (p.Leu335Pro)

Gene: BUB1 (BUB1 mitotic checkpoint serine/threonine kinase; minus strand). Cytogenetic location: 2q13.
Variant type: single nucleotide variant.
Coding change: c.1004T>C on transcript NM_004336.5 (MANE Select); coding-DNA position 1004, T replaced by C.
Protein change: p.Leu335Pro; replaces leucine 335 with proline.
Molecular consequence: missense variant.
Genome position (GRCh38, 1-based): chr2:110,661,795, A>G on the plus strand (T>C on the coding strand, the complement: BUB1 is on the minus strand). VCF-style: chr2-110661795-A-G. GRCh37 (hg19) VCF-style: chr2-111419372-A-G.
Other names: c.944T>C, p.Leu315Pro (NM_001278616.2); c.1004T>C, p.Leu335Pro (NM_001278617.2); short protein forms L335P, L315P.
Identifiers: ClinVar variation 2586166 (VCV002586166.2), dbSNP rs1574328396, ClinGen allele CA348214614.

ClinVar aggregate classification (germline): Uncertain significance (1 of 4 stars; one submission).

Submission:

Ambry Genetics
Classification: Uncertain significance. Last evaluated: 2023-08-31. Review status: criteria provided, single submitter. Criteria: Ambry Variant Classification Scheme 2023. Collection method: clinical testing. Allele origin: germline.
Comment: The p.L335P variant (also known as c.1004T>C), located in coding exon 10 of the BUB1 gene, results from a T to C substitution at nucleotide position 1004. The leucine at codon 335 is replaced by proline, an amino acid with similar properties. This amino acid position is conserved. In addition, this alteration is predicted to be tolerated by in silico analysis. Since supporting evidence is limited at this time, the clinical significance of this alteration remains unclear.